The following is an entry in ClinVar:

ClinVar aggregate classification (germline): Uncertain significance (1 of 4 stars; one submission).

gnomAD v4.1: 1 of 1,612,632 alleles (0.000062%); highest among the groups gnomAD compares: Non-Finnish European, 0.000085%; no homozygotes.

Submission:

GeneDx
Classification: Uncertain significance. Last evaluated: 2025-06-02. Review status: criteria provided, single submitter. Criteria: GeneDx Variant Classification Process June 2021. Collection method: clinical testing. Allele origin: germline. Affected: yes.
Comment: Not observed at significant frequency in large population cohorts (gnomAD); In silico analysis supports that this missense variant has a deleterious effect on protein structure/function; Has not been previously published as pathogenic or benign to our knowledge

NM_005560.6(LAMA5):c.2731C>T (p.Pro911Ser)

Gene: LAMA5 (laminin subunit alpha 5; minus strand). Cytogenetic location: 20q13.33.
Variant type: single nucleotide variant.
Coding change: c.2731C>T on transcript NM_005560.6 (MANE Select); coding-DNA position 2731, C replaced by T.
Protein change: p.Pro911Ser; replaces proline 911 with serine.
Molecular consequence: missense variant.
Genome position (GRCh38, 1-based): chr20:62,334,194, G>A on the plus strand (C>T on the coding strand, the complement: LAMA5 is on the minus strand). VCF-style: chr20-62334194-G-A. GRCh37 (hg19) VCF-style: chr20-60909250-G-A.
Other names: short protein forms P911S.
Identifiers: ClinVar variation 4536357 (VCV004536357.1).